The following is an entry in ClinVar:

ClinVar aggregate classification (germline): Uncertain significance (1 of 4 stars; one submission).

Conditions:
Muscular dystrophy-dystroglycanopathy (congenital with brain and eye anomalies), type a, 11 (MDDGA11). Also called: Congenital muscular dystrophy-dystroglycanopathy with brain and eye anomalies, type A11; Muscular dystrophy-dystroglycanopathy (congenital with brain and eye anomalies, type A, 11; WALKER-WARBURG SYNDROME OR MUSCLE-EYE-BRAIN DISEASE, B3GALNT2-RELATED. Identifiers: Orphanet 588, Orphanet 899, MedGen C3554638, MONDO:0014071, OMIM 615181.

Submission:

Labcorp Genetics (formerly Invitae), Labcorp
Classification: Uncertain significance for Muscular dystrophy-dystroglycanopathy (congenital with brain and eye anomalies), type a, 11. Last evaluated: 2021-09-01. Review status: criteria provided, single submitter. Criteria: Invitae Variant Classification Sherloc (09022015). Collection method: clinical testing. Allele origin: germline.
Comment: This sequence change replaces alanine with valine at codon 128 of the B3GALNT2 protein (p.Ala128Val). The alanine residue is moderately conserved and there is a small physicochemical difference between alanine and valine. This variant is not present in population databases (ExAC no frequency). This variant has not been reported in the literature in individuals affected with B3GALNT2-related conditions. Algorithms developed to predict the effect of missense changes on protein structure and function (SIFT, PolyPhen-2, Align-GVGD) all suggest that this variant is likely to be tolerated. In summary, the available evidence is currently insufficient to determine the role of this variant in disease. Therefore, it has been classified as a Variant of Uncertain Significance.

NM_152490.5(B3GALNT2):c.383C>T (p.Ala128Val)

Gene: B3GALNT2 (beta-1,3-N-acetylgalactosaminyltransferase 2; minus strand). Cytogenetic location: 1q42.3.
Variant type: single nucleotide variant.
Coding change: c.383C>T on transcript NM_152490.5 (MANE Select); coding-DNA position 383, C replaced by T.
Protein change: p.Ala128Val; replaces alanine 128 with valine.
Molecular consequence: missense variant.
Genome position (GRCh38, 1-based): chr1:235,484,494, G>A on the plus strand (C>T on the coding strand, the complement: B3GALNT2 is on the minus strand). VCF-style: chr1-235484494-G-A. GRCh37 (hg19) VCF-style: chr1-235647810-G-A.
Other names: c.506C>T, p.Ala169Val (NM_001277155.3); short protein forms A128V, A169V.
Identifiers: ClinVar variation 640877 (VCV000640877.3), dbSNP rs1572539209, ClinGen allele CA344925527.